The following is an entry in ClinVar:

NM_177438.3(DICER1):c.33G>A (p.Met11Ile)

Gene: DICER1 (dicer 1, ribonuclease III; minus strand). Cytogenetic location: 14q32.13.
Variant type: single nucleotide variant.
Coding change: c.33G>A on transcript NM_177438.3 (MANE Select); coding-DNA position 33, G replaced by A.
Protein change: p.Met11Ile; replaces methionine 11 with isoleucine.
Molecular consequence: missense variant. On other transcripts: 5 prime UTR variant (8), non-coding transcript variant (6), intron variant (1).
Genome position (GRCh38, 1-based): chr14:95,133,426, C>T on the plus strand (G>A on the coding strand, the complement: DICER1 is on the minus strand). VCF-style: chr14-95133426-C-T. GRCh37 (hg19) VCF-style: chr14-95599763-C-T.
Other names: c.33G>A, p.Met11Ile (NM_001195573.1, NM_001271282.3, NM_001291628.2 and 15 more transcripts); c.-242G>A (NM_001395686.1, NM_001395688.1, NM_001395689.1 and 3 more transcripts); c.-426G>A (NM_001395691.1); c.-1536G>A (NM_001395697.1); c.-130-749G>A (NM_001395687.1); short protein forms M11I.
Identifiers: ClinVar variation 1714605 (VCV001714605.6), dbSNP rs2543389347, ClinGen allele CA390890744.

ClinVar aggregate classification (germline): Uncertain significance (1 of 4 stars; one submission).

Conditions:
DICER1-related tumor predisposition. Also called: DICER1 syndrome; DICER1-related pleuropulmonary blastoma cancer predisposition syndrome. Identifiers: Orphanet 284343, MedGen C3839822, MONDO:0100216.

Submission:

Labcorp Genetics (formerly Invitae), Labcorp
Classification: Uncertain significance for DICER1-related tumor predisposition. Last evaluated: 2022-07-31. Review status: criteria provided, single submitter. Criteria: Invitae Variant Classification Sherloc (09022015). Collection method: clinical testing. Allele origin: germline.
Comment: This sequence change replaces methionine, which is neutral and non-polar, with isoleucine, which is neutral and non-polar, at codon 11 of the DICER1 protein (p.Met11Ile). In summary, the available evidence is currently insufficient to determine the role of this variant in disease. Therefore, it has been classified as a Variant of Uncertain Significance. Algorithms developed to predict the effect of missense changes on protein structure and function are either unavailable or do not agree on the potential impact of this missense change (SIFT: "Deleterious"; PolyPhen-2: "Probably Damaging"; Align-GVGD: "Class C0"). This variant has not been reported in the literature in individuals affected with DICER1-related conditions. This variant is not present in population databases (gnomAD no frequency).